The following is an entry in ClinVar:

ClinVar aggregate classification (germline): Pathogenic (1 of 4 stars; one submission).

Submission:

Labcorp Genetics (formerly Invitae), Labcorp
Classification: Pathogenic. Last evaluated: 2024-12-12. Review status: criteria provided, single submitter. Criteria: Invitae Variant Classification Sherloc (09022015). Collection method: clinical testing. Allele origin: germline.
Comment: This sequence change creates a premature translational stop signal (p.Gly1953Valfs*16) in the NSD1 gene. It is expected to result in an absent or disrupted protein product. Loss-of-function variants in NSD1 are known to be pathogenic (PMID: 12464997, 14571271, 15942875, 16247291). This variant is not present in population databases (gnomAD no frequency). This variant has not been reported in the literature in individuals affected with NSD1-related conditions. For these reasons, this variant has been classified as Pathogenic.

Literature cited by the submitters: PubMed 12464997; PubMed 14571271; PubMed 15942875; PubMed 16247291.

NM_022455.5(NSD1):c.5858del (p.Gly1953fs)

Gene: NSD1 (nuclear receptor binding SET domain protein 1; plus strand). Cytogenetic location: 5q35.3.
Variant type: Deletion.
Coding change: c.5858del on transcript NM_022455.5 (MANE Select); coding-DNA position 5858, one base deleted (G; older notation c.5858delG).
Protein change: p.Gly1953fs; shifts the reading frame from glycine 1953.
Molecular consequence: frameshift variant.
Genome position (GRCh38, 1-based): chr5:177,280,800, G deleted; the last of 4 consecutive G bases (chr5:177,280,797-177,280,800); deleting any one gives the same sequence. VCF-style (leftmost placement, unchanged base first): chr5-177280796-CG-C. GRCh37 (hg19) VCF-style: chr5-176707797-CG-C.
Other names: c.4985del, p.Gly1662fs (NM_001365684.2, NM_001409308.1, NM_001409309.1 and 1 more transcripts); c.5858del, p.Gly1953fs (NM_001409301.1, NM_001409302.1, NM_001409303.1); c.5438del, p.Gly1813fs (NM_001409304.1); c.5105del, p.Gly1702fs (NM_001409305.1); c.5096del, p.Gly1699fs (NM_001409306.1, NM_001409307.1); short protein forms G1953fs, G1662fs, G1699fs, G1702fs, G1813fs.
Identifiers: ClinVar variation 3727108 (VCV003727108.2).